The following is an entry in ClinVar:

ClinVar aggregate classification (germline): Uncertain significance. Review status: criteria provided, multiple submitters, no conflicts (2 of 4 stars). 2 submissions from 2 submitters: Uncertain significance (2). Last evaluated 2022-04-30.

Conditions:
Dilated cardiomyopathy 1O (CMD1O). Also called: CARDIOMYOPATHY, DILATED, WITH VENTRICULAR TACHYCARDIA. Identifiers: Orphanet 154, MedGen C1837839, MONDO:0012062, OMIM 608569.

Allele frequency attached by ClinVar (database versions not stated): gnomAD exomes below 0.00001.
gnomAD v4.1: 2 of 1,613,814 alleles (0.00012%); highest among the groups gnomAD compares: Non-Finnish European, 0.00017%; no homozygotes.

Submissions (2):

Labcorp Genetics (formerly Invitae), Labcorp
Classification: Uncertain significance for Dilated cardiomyopathy 1O. Last evaluated: 2022-04-30. Review status: criteria provided, single submitter. Criteria: Invitae Variant Classification Sherloc (09022015). Collection method: clinical testing. Allele origin: germline.
Comment: In summary, the available evidence is currently insufficient to determine the role of this variant in disease. Therefore, it has been classified as a Variant of Uncertain Significance. Algorithms developed to predict the effect of missense changes on protein structure and function are either unavailable or do not agree on the potential impact of this missense change (SIFT: "Deleterious"; PolyPhen-2: "Benign"; Align-GVGD: "Class C0"). ClinVar contains an entry for this variant (Variation ID: 546486). This variant has not been reported in the literature in individuals affected with ABCC9-related conditions. This variant is not present in population databases (gnomAD no frequency). This sequence change replaces threonine, which is neutral and polar, with isoleucine, which is neutral and non-polar, at codon 1233 of the ABCC9 protein (p.Thr1233Ile).

GeneDx
Classification: Uncertain significance. Last evaluated: 2018-05-24. Review status: criteria provided, single submitter. Criteria: GeneDx Variant Classification (06012015). Collection method: clinical testing. Allele origin: germline. Affected: yes.
Comment: A variant of uncertain significance has been identified in the ABCC9 gene. The T1233I variant has not been published as pathogenic or been reported as benign to our knowledge. This variant is not observed in large population cohorts (Lek et al., 2016). The T1233I variant is a non-conservative amino acid substitution, which is likely to impact secondary protein structure as these residues differ in polarity, charge, size and/or other properties. However, in-silico analyses, including protein predictors and evolutionary conservation, support that this variant does not alter protein structure/function. Therefore, based on the currently available information, it is unclear whether this variant is pathogenic or rare benign.

NM_020297.4(ABCC9):c.3698C>T (p.Thr1233Ile)

Genes: ABCC9 (ATP binding cassette subfamily C member 9; minus strand), KCNJ8-AS1 (KCNJ8 antisense RNA 1; plus strand). Cytogenetic location: 12p12.1.
Variant type: single nucleotide variant.
Coding change: c.3698C>T on transcript NM_020297.4 (MANE Select); coding-DNA position 3698, C replaced by T.
Protein change: p.Thr1233Ile; replaces threonine 1233 with isoleucine.
Molecular consequence: missense variant.
Genome position (GRCh38, 1-based): chr12:21,818,223, G>A on the plus strand (C>T on the coding strand, the complement: ABCC9 is on the minus strand). VCF-style: chr12-21818223-G-A. GRCh37 (hg19) VCF-style: chr12-21971157-G-A.
Other names: c.3698C>T, p.Thr1233Ile (NM_001377273.1, NM_005691.4); c.2831C>T, p.Thr944Ile (NM_001377274.1); short protein forms T1233I, T944I.
Identifiers: ClinVar variation 546486 (VCV000546486.6), dbSNP rs1555179638, ClinGen allele CA384137687.
Genomic context (GRCh38, chr12:21,818,223, plus strand): 5'-AGAAGACCCAAGCCTACCAATCCAGAATTCGAAGACCCACTAATGGATGCTATAGATGCA[G>A]TGAGGACAATGCAAGCTCCCAGATAATCCTTTGAAAAAGCAAGAGAAAATGTTAAAAGGT-3'
Protein context (NP_064693.2, residues 1223-1243): TDYLGACIVL[Thr1233Ile]ASIASISGSS